The following is an entry in ClinVar:

NM_001005242.3(PKP2):c.2357+2dup

Gene: PKP2 (plakophilin 2; minus strand). Cytogenetic location: 12p11.21.
Variant type: Duplication.
Coding change: c.2357+2dup on transcript NM_001005242.3 (MANE Select); the canonical splice donor site of the intron after coding-DNA position 2357, one base duplicated (T; older notation c.2357+2dupT).
Molecular consequence: splice donor variant.
Genome position (GRCh38, 1-based): chr12:32,796,107, A duplicated on the plus strand (T on the coding strand, the reverse complement: PKP2 is on the minus strand). VCF-style (leftmost placement, unchanged base first): chr12-32796106-T-TA. GRCh37 (hg19) VCF-style: chr12-32949040-T-TA.
Other names: c.2489+2dup (NM_004572.4).
Identifiers: ClinVar variation 1792025 (VCV001792025.2), dbSNP rs2541189765, ClinGen allele CA2580085377.
Genomic context (GRCh38, chr12:32,796,106, plus strand): 5'-TATTTACACACAGGCTGGTGAGGGGAAAGGGAGGCAGCTGACGGGCAGAACTGAAGGACT[T>TA]ACGCATCGCCTGCACTAATGGCCATAATTTTCTGGATGCCCCCGGTGTTTAGAAGGTCGC-3'

ClinVar aggregate classification (germline): Uncertain significance (1 of 4 stars; one submission).

Conditions:
Cardiovascular phenotype. Identifiers: MedGen CN230736.

Allele frequency attached by ClinVar (database versions not stated): gnomAD exomes below 0.00001.

Submission:

Ambry Genetics
Classification: Uncertain significance for Cardiovascular phenotype. Last evaluated: 2020-02-19. Review status: criteria provided, single submitter. Criteria: Ambry Variant Classification Scheme 2023. Collection method: clinical testing. Allele origin: germline.
Comment: The c.2489+2dupT intronic variant, results from a duplication of one nucleotide at two nucleotides after exon 12 of the PKP2 gene. This nucleotide position is highly conserved in available vertebrate species. Using the BDGP and ESEfinder splice site prediction tools, this alteration is predicted to abolish the native splice donor site; however, direct evidence is unavailable. This variant has not been described in the literature to date; however, a nearby intronic alteration, c.2489+4A>C, has been reported in Dutch families with arrhythmogenic right ventricular cardiomyopathy (ARVC), and haplotype and mRNA analyses suggest a possible founder mutation with aberrant splicing (van der Zwaag PA et al. Clin Genet. 2011;79:459-67; van der Smagt JJ et al. Cardiology. 2012;123:181-9). Since supporting evidence is limited at this time, the clinical significance of the c.2489+2dupT alteration remains unclear.